The following is an entry in ClinVar:

ClinVar aggregate classification (germline): Likely benign (1 of 4 stars; one submission).

gnomAD v4.1: 1 of 1,614,040 alleles (0.000062%); no homozygotes.

Submission:

CeGaT Center for Human Genetics Tuebingen
Classification: Likely benign. Last evaluated: 2026-09-01. Review status: criteria provided, single submitter. Criteria: CeGaT Center For Human Genetics Tuebingen Variant Classification Criteria Version 2. Collection method: clinical testing. Allele origin: germline. Affected: yes. Observed: 1 variant allele.
Comment: MED25: BP4, BP7

NM_030973.4(MED25):c.921C>G (p.Thr307=)

Gene: MED25 (mediator complex subunit 25; plus strand). Cytogenetic location: 19q13.33.
Variant type: single nucleotide variant.
Coding change: c.921C>G on transcript NM_030973.4 (MANE Select); coding-DNA position 921, C replaced by G.
Protein change: p.Thr307=; no amino-acid change (threonine 307 retained).
Molecular consequence: synonymous variant.
Genome position (GRCh38, 1-based): chr19:49,830,707, C>G. VCF-style: chr19-49830707-C-G. GRCh37 (hg19) VCF-style: chr19-50333964-C-G.
Other names: c.921C>G, p.Thr307= (NM_001378355.1).
Identifiers: ClinVar variation 5041384 (VCV005041384.1).
Genomic context (GRCh38, chr19:49,830,707, plus strand): 5'-CTCTCCACACACTTGTTCCCCACTTCTTCCCTTGGTCTCTCCCACAGTCTCGCCCATCAC[C>G]CCTCTCCAACAAGCTGCTCCCGGAGTGGGTCCCCCCTTCAGCCAGGCCCCAGCTCCCCAA-3'
Protein context (NP_112235.2, residues 297-317): AGLGPRFSPI[Thr307=]PLQQAAPGVG